The following is an entry in ClinVar:

ClinVar aggregate classification (germline): Pathogenic (1 of 4 stars; one submission).

Submission:

GeneDx
Classification: Pathogenic. Last evaluated: 2020-07-17. Review status: criteria provided, single submitter. Criteria: GeneDx Variant Classification Process June 2021. Collection method: clinical testing. Allele origin: germline. Affected: yes.
Comment: Frameshift variant predicted to result in protein truncation, as the last 383 amino acids are replaced with 35 different amino acids, and other loss-of-function variants have been reported downstream in the Human Gene Mutation Database (Stenson et al., 2014); Not observed in large population cohorts (Lek et al., 2016); Has not been previously published as pathogenic or benign to our knowledge

NM_002016.2(FLG):c.11035del (p.Val3679fs)

Genes: FLG (filaggrin; minus strand), FLG-AS1 (FLG antisense RNA 1; plus strand). Cytogenetic location: 1q21.3.
Variant type: Deletion.
Coding change: c.11035del on transcript NM_002016.2 (MANE Select); coding-DNA position 11035, one base deleted (G; older notation c.11035delG).
Protein change: p.Val3679fs; shifts the reading frame from valine 3679.
Molecular consequence: frameshift variant.
Genome position (GRCh38, 1-based): chr1:152,303,851, C deleted on the plus strand (G on the coding strand, the reverse complement: FLG is on the minus strand). VCF-style (leftmost placement, unchanged base first): chr1-152303850-AC-A. GRCh37 (hg19) VCF-style: chr1-152276326-AC-A.
Other names: c.11035delG (NM_002016.1); short protein forms V3679fs.
Identifiers: ClinVar variation 817300 (VCV000817300.2), dbSNP rs1570893617, ClinGen allele CA915941426.